The following is an entry in ClinVar:

NM_182493.3(MYLK3):c.2408T>A (p.Phe803Tyr)

Gene: MYLK3 (myosin light chain kinase 3; minus strand). Cytogenetic location: 16q11.2.
Variant type: single nucleotide variant.
Coding change: c.2408T>A on transcript NM_182493.3 (MANE Select); coding-DNA position 2408, T replaced by A.
Protein change: p.Phe803Tyr; replaces phenylalanine 803 with tyrosine.
Molecular consequence: missense variant.
Genome position (GRCh38, 1-based): chr16:46,707,756, A>T on the plus strand (T>A on the coding strand, the complement: MYLK3 is on the minus strand). VCF-style: chr16-46707756-A-T. GRCh37 (hg19) VCF-style: chr16-46741668-A-T.
Other names: c.1385T>A, p.Phe462Tyr (NM_001308301.1); short protein forms F462Y, F803Y.
Identifiers: ClinVar variation 3672104 (VCV003672104.2).

ClinVar aggregate classification (germline): Uncertain significance (1 of 4 stars; one submission).

gnomAD v4.1: 3 of 1,612,096 alleles (0.00019%); highest among the groups gnomAD compares: South Asian, 0.0033%; no homozygotes.

Submission:

Labcorp Genetics (formerly Invitae), Labcorp
Classification: Uncertain significance. Last evaluated: 2025-02-05. Review status: criteria provided, single submitter. Criteria: Invitae Variant Classification Sherloc (09022015). Collection method: clinical testing. Allele origin: germline.
Comment: This sequence change replaces phenylalanine, which is neutral and non-polar, with tyrosine, which is neutral and polar, at codon 803 of the MYLK3 protein (p.Phe803Tyr). This variant is present in population databases (rs769096410, gnomAD 0.003%). This variant has not been reported in the literature in individuals affected with MYLK3-related conditions. An algorithm developed to predict the effect of missense changes on protein structure and function (PolyPhen-2) suggests that this variant is likely to be disruptive. In summary, the available evidence is currently insufficient to determine the role of this variant in disease. Therefore, it has been classified as a Variant of Uncertain Significance.